The following is an entry in ClinVar:

ClinVar aggregate classification (germline): Uncertain significance (1 of 4 stars; one submission).

Conditions:
Hereditary cancer-predisposing syndrome. Also called: Neoplastic Syndromes, Hereditary; Tumor predisposition; Hereditary Cancer Syndrome; Hereditary neoplastic syndrome. Identifiers: Orphanet 140162, MedGen C0027672, MeSH D009386, MONDO:0015356.

Submission:

Ambry Genetics
Classification: Uncertain significance for Hereditary cancer-predisposing syndrome. Last evaluated: 2022-06-17. Review status: criteria provided, single submitter. Criteria: Ambry Variant Classification Scheme 2023. Collection method: clinical testing. Allele origin: germline.
Comment: The p.M2676L variant (also known as c.8026A>C), located in coding exon 17 of the BRCA2 gene, results from an A to C substitution at nucleotide position 8026. The methionine at codon 2676 is replaced by leucine, an amino acid with highly similar properties. This amino acid position is not well conserved in available vertebrate species. In addition, this alteration is predicted to be tolerated by in silico analysis. Since supporting evidence is limited at this time, the clinical significance of this alteration remains unclear.

NM_000059.4(BRCA2):c.8026A>C (p.Met2676Leu)

Gene: BRCA2 (BRCA2 DNA repair associated; plus strand). Cytogenetic location: 13q13.1.
Variant type: single nucleotide variant.
Coding change: c.8026A>C on transcript NM_000059.4 (MANE Select); coding-DNA position 8026, A replaced by C.
Protein change: p.Met2676Leu; replaces methionine 2676 with leucine.
Molecular consequence: missense variant.
Genome position (GRCh38, 1-based): chr13:32,363,228, A>C. VCF-style: chr13-32363228-A-C. GRCh37 (hg19) VCF-style: chr13-32937365-A-C.
Other names: c.7930A>C, p.Met2644Leu (NM_001406719.1); c.8026A>C, p.Met2676Leu (NM_001406720.1); c.3094A>C, p.Met1032Leu (NM_001406721.1); c.1609A>C, p.Met537Leu (NM_001406722.1); short protein forms M1032L, M537L, M2676L, M2644L.
Identifiers: ClinVar variation 1761713 (VCV001761713.2), dbSNP rs878853607, ClinGen allele CA387748906.